The following is an entry in ClinVar:

NM_000075.4(CDK4):c.843C>G (p.His281Gln)

Genes: CDK4 (cyclin dependent kinase 4; minus strand), TSPAN31 (tetraspanin 31; plus strand). Cytogenetic location: 12q14.1.
Variant type: single nucleotide variant.
Coding change: c.843C>G on transcript NM_000075.4 (MANE Select); coding-DNA position 843, C replaced by G.
Protein change: p.His281Gln; replaces histidine 281 with glutamine.
Molecular consequence: missense variant. On other transcripts: 3 prime UTR variant (3).
Genome position (GRCh38, 1-based): chr12:57,748,594, G>C on the plus strand (C>G on the coding strand, the complement: CDK4 is on the minus strand). VCF-style: chr12-57748594-G-C. GRCh37 (hg19) VCF-style: chr12-58142377-G-C.
Other names: c.*1304G>C (NM_001330168.2, NM_001330169.2, NM_005981.5); c.843C>G (NM_000075.3); short protein forms H281Q.
Identifiers: ClinVar variation 1996311 (VCV001996311.5), dbSNP rs750061873, ClinGen allele CA385542516.

ClinVar aggregate classification (germline): Conflicting classifications of pathogenicity. Review status: criteria provided, conflicting classifications (1 of 4 stars). 2 submissions from 2 submitters: Uncertain significance (1); Likely benign (1). Last evaluated 2024-06-26.

Conditions:
Familial melanoma. Also called: Hereditary melanoma; Hereditary cutaneous melanoma. Identifiers: Orphanet 618, MedGen C1512419, MONDO:0018961.
Hereditary cancer-predisposing syndrome. Also called: Neoplastic Syndromes, Hereditary; Hereditary neoplastic syndrome; Tumor predisposition; Hereditary Cancer Syndrome. Identifiers: Orphanet 140162, MedGen C0027672, MeSH D009386, MONDO:0015356.

Submissions (2):

Ambry Genetics
Classification: Likely benign for Hereditary cancer-predisposing syndrome. Last evaluated: 2024-06-26. Review status: criteria provided, single submitter. Criteria: Ambry Variant Classification Scheme 2023. Collection method: clinical testing. Allele origin: germline.

Labcorp Genetics (formerly Invitae), Labcorp
Classification: Uncertain significance for Familial melanoma. Last evaluated: 2022-05-19. Review status: criteria provided, single submitter. Criteria: Invitae Variant Classification Sherloc (09022015). Collection method: clinical testing. Allele origin: germline.
Comment: In summary, the available evidence is currently insufficient to determine the role of this variant in disease. Therefore, it has been classified as a Variant of Uncertain Significance. Algorithms developed to predict the effect of sequence changes on RNA splicing suggest that this variant may create or strengthen a splice site. Advanced modeling of protein sequence and biophysical properties (such as structural, functional, and spatial information, amino acid conservation, physicochemical variation, residue mobility, and thermodynamic stability) performed at Invitae indicates that this missense variant is not expected to disrupt CDK4 protein function. This variant has not been reported in the literature in individuals affected with CDK4-related conditions. This variant is not present in population databases (gnomAD no frequency). This sequence change replaces histidine, which is basic and polar, with glutamine, which is neutral and polar, at codon 281 of the CDK4 protein (p.His281Gln).